The following is an entry in ClinVar:

NM_198075.4(LRRC56):c.624+2T>A

Gene: LRRC56 (leucine rich repeat containing 56; plus strand). Cytogenetic location: 11p15.5.
Variant type: single nucleotide variant.
Coding change: c.624+2T>A on transcript NM_198075.4 (MANE Select); the canonical splice donor site of the intron after coding-DNA position 624, T replaced by A.
Molecular consequence: splice donor variant.
Genome position (GRCh38, 1-based): chr11:550,274, T>A. VCF-style: chr11-550274-T-A. GRCh37 (hg19) VCF-style: chr11-550274-T-A.
Identifiers: ClinVar variation 2975607 (VCV002975607.3), dbSNP rs2539909801, ClinGen allele CA378942685.
Genomic context (GRCh38, chr11:550,274, plus strand): 5'-TGCTCACCCTGGAGGGCAACCTGGTGTGCCTACAGCCGGCCCCTGGCCCCACCAACAAGG[T>A]GCGTGTCCCGGGCACCCGGCCAGCATGTGCATGGCCAGGAGAGGCTCCCTGTGGCTCCAG-3'

ClinVar aggregate classification (germline): Likely pathogenic (1 of 4 stars; one submission).

Submission:

Labcorp Genetics (formerly Invitae), Labcorp
Classification: Likely pathogenic. Last evaluated: 2023-04-21. Review status: criteria provided, single submitter. Criteria: Invitae Variant Classification Sherloc (09022015). Collection method: clinical testing. Allele origin: germline.
Comment: This sequence change affects a donor splice site in intron 8 of the LRRC56 gene. It is expected to disrupt RNA splicing. Variants that disrupt the donor or acceptor splice site typically lead to a loss of protein function (PMID: 16199547), and loss-of-function variants in LRRC56 are known to be pathogenic (PMID: 30388400). This variant is not present in population databases (gnomAD no frequency). This variant has not been reported in the literature in individuals affected with LRRC56-related conditions. Algorithms developed to predict the effect of sequence changes on RNA splicing suggest that this variant may disrupt the consensus splice site. In summary, the currently available evidence indicates that the variant is pathogenic, but additional data are needed to prove that conclusively. Therefore, this variant has been classified as Likely Pathogenic.

Literature cited by the submitters: PubMed 16199547; PubMed 30388400.